The following is an entry in ClinVar:

NM_020376.4(PNPLA2):c.440del (p.Phe147fs)

Gene: PNPLA2 (patatin like domain 2, triacylglycerol lipase; plus strand). Cytogenetic location: 11p15.5.
Variant type: Deletion.
Coding change: c.440del on transcript NM_020376.4 (MANE Select); coding-DNA position 440, one base deleted (T; older notation c.440delT).
Protein change: p.Phe147fs; shifts the reading frame from phenylalanine 147.
Molecular consequence: frameshift variant.
Genome position (GRCh38, 1-based): chr11:821,977, T deleted; the last of 3 consecutive T bases (chr11:821,975-821,977); deleting any one gives the same sequence. VCF-style (leftmost placement, unchanged base first): chr11-821974-GT-G. GRCh37 (hg19) VCF-style: chr11-821974-GT-G.
Other names: short protein forms F147fs.
Identifiers: ClinVar variation 1454689 (VCV001454689.6), dbSNP rs2133847468, ClinGen allele CA2573147089.

ClinVar aggregate classification (germline): Pathogenic (1 of 4 stars; one submission).

Conditions:
Neutral lipid storage myopathy (NLSDM). Also called: NEUTRAL LIPID STORAGE DISEASE WITHOUT ICHTHYOSIS. Identifiers: Orphanet 98908, MedGen C1853136, MONDO:0012545, OMIM 610717.

Submission:

Labcorp Genetics (formerly Invitae), Labcorp
Classification: Pathogenic for Neutral lipid storage myopathy. Last evaluated: 2022-08-16. Review status: criteria provided, single submitter. Criteria: Invitae Variant Classification Sherloc (09022015). Collection method: clinical testing. Allele origin: germline.
Comment: For these reasons, this variant has been classified as Pathogenic. ClinVar contains an entry for this variant (Variation ID: 1454689). This variant has not been reported in the literature in individuals affected with PNPLA2-related conditions. This variant is not present in population databases (gnomAD no frequency). This sequence change creates a premature translational stop signal (p.Phe147Serfs*109) in the PNPLA2 gene. It is expected to result in an absent or disrupted protein product. Loss-of-function variants in PNPLA2 are known to be pathogenic (PMID: 17187067).

Literature cited by the submitters: PubMed 17187067.